The following is an entry in ClinVar:

NM_000836.4(GRIN2D):c.122C>T (p.Pro41Leu)

Genes: GRIN2D (glutamate ionotropic receptor NMDA type subunit 2D; plus strand), LOC130064855 (ATAC-STARR-seq lymphoblastoid silent region 10879; plus strand). Cytogenetic location: 19q13.33.
Variant type: single nucleotide variant.
Coding change: c.122C>T on transcript NM_000836.4 (MANE Select); coding-DNA position 122, C replaced by T.
Protein change: p.Pro41Leu; replaces proline 41 with leucine.
Molecular consequence: missense variant.
Genome position (GRCh38, 1-based): chr19:48,398,514, C>T. VCF-style: chr19-48398514-C-T. GRCh37 (hg19) VCF-style: chr19-48901771-C-T.
Other names: short protein forms P41L.
Identifiers: ClinVar variation 2979405 (VCV002979405.3), dbSNP rs2516061880, ClinGen allele CA406688331.

ClinVar aggregate classification (germline): Uncertain significance (1 of 4 stars; one submission).

Submission:

Labcorp Genetics (formerly Invitae), Labcorp
Classification: Uncertain significance. Last evaluated: 2024-04-25. Review status: criteria provided, single submitter. Criteria: Invitae Variant Classification Sherloc (09022015). Collection method: clinical testing. Allele origin: germline.
Comment: This sequence change replaces proline, which is neutral and non-polar, with leucine, which is neutral and non-polar, at codon 41 of the GRIN2D protein (p.Pro41Leu). The frequency data for this variant in the population databases is considered unreliable, as metrics indicate insufficient coverage at this position in the gnomAD database. This variant has not been reported in the literature in individuals affected with GRIN2D-related conditions. Advanced modeling of protein sequence and biophysical properties (such as structural, functional, and spatial information, amino acid conservation, physicochemical variation, residue mobility, and thermodynamic stability) performed at Invitae indicates that this missense variant is not expected to disrupt GRIN2D protein function with a negative predictive value of 95%. In summary, the available evidence is currently insufficient to determine the role of this variant in disease. Therefore, it has been classified as a Variant of Uncertain Significance.